The following is an entry in ClinVar:

ClinVar aggregate classification (germline): Uncertain significance (1 of 4 stars; one submission).

Conditions:
Hereditary cancer-predisposing syndrome. Also called: Neoplastic Syndromes, Hereditary; Tumor predisposition; Hereditary Cancer Syndrome; Hereditary neoplastic syndrome. Identifiers: Orphanet 140162, MedGen C0027672, MeSH D009386, MONDO:0015356.

Submission:

Ambry Genetics
Classification: Uncertain significance for Hereditary cancer-predisposing syndrome. Last evaluated: 2025-06-01. Review status: criteria provided, single submitter. Criteria: Ambry Variant Classification Scheme 2023. Collection method: clinical testing. Allele origin: germline.
Comment: The p.T77S variant (also known as c.230C>G), located in coding exon 3 of the RAD51D gene, results from a C to G substitution at nucleotide position 230. The threonine at codon 77 is replaced by serine, an amino acid with similar properties. This amino acid position is not well conserved in available vertebrate species. In addition, this alteration is predicted to be tolerated by in silico analysis. Since supporting evidence is limited at this time, the clinical significance of this alteration remains unclear.

NM_002878.4(RAD51D):c.230C>G (p.Thr77Ser)

Genes: RAD51D (RAD51 paralog D; minus strand), RAD51L3-RFFL (RAD51L3-RFFL readthrough; minus strand). Cytogenetic location: 17q12.
Variant type: single nucleotide variant.
Coding change: c.230C>G on transcript NM_002878.4 (MANE Select); coding-DNA position 230, C replaced by G.
Protein change: p.Thr77Ser; replaces threonine 77 with serine.
Molecular consequence: missense variant. On other transcripts: intron variant (2).
Genome position (GRCh38, 1-based): chr17:35,118,534, G>C on the plus strand (C>G on the coding strand, the complement: RAD51D is on the minus strand). VCF-style: chr17-35118534-G-C. GRCh37 (hg19) VCF-style: chr17-33445553-G-C.
Other names: c.144+577C>G (NM_133629.3, NM_001142571.2); short protein forms T77S.
Identifiers: ClinVar variation 821085 (VCV000821085.5), dbSNP rs777826765, ClinGen allele CA399091236.